The following is an entry in ClinVar:

ClinVar aggregate classification (germline): Uncertain significance. Review status: criteria provided, multiple submitters, no conflicts (2 of 4 stars). 2 submissions from 2 submitters: Uncertain significance (2). Last evaluated 2023-02-22.

Conditions:
Neurofibromatosis, type 1 (NF1). Also called: NEUROFIBROMATOSIS, TYPE I, SOMATIC; VON RECKLINGHAUSEN DISEASE; Peripheral type neurofibromatosis; Neurofibromatosis, type I. Identifiers: Orphanet 636, MedGen C0027831, MONDO:0018975, OMIM 162200. Disease mechanism: loss of function.
Hereditary cancer-predisposing syndrome. Also called: Neoplastic Syndromes, Hereditary; Hereditary Cancer Syndrome; Tumor predisposition; Hereditary neoplastic syndrome. Identifiers: Orphanet 140162, MedGen C0027672, MeSH D009386, MONDO:0015356.
Cardiovascular phenotype. Identifiers: MedGen CN230736.

Allele frequency attached by ClinVar (database versions not stated): gnomAD exomes below 0.00001.
gnomAD v4.1: 1 of 1,613,080 alleles (0.000062%); highest among the groups gnomAD compares: Non-Finnish European, 0.000085%; no homozygotes.

Submissions (2):

Ambry Genetics
Classification: Uncertain significance for Cardiovascular phenotype; Hereditary cancer-predisposing syndrome. Last evaluated: 2023-02-22. Review status: criteria provided, single submitter. Criteria: Ambry Variant Classification Scheme 2023. Collection method: clinical testing. Allele origin: germline.
Comment: The p.C1909S variant (also known as c.5725T>A), located in coding exon 38 of the NF1 gene, results from a T to A substitution at nucleotide position 5725. The cysteine at codon 1909 is replaced by serine, an amino acid with dissimilar properties. This missense alteration is located in a region that has a low rate of benign missense variation (Lek M et al. Nature. 2016 Aug 18;536(7616):285-91; DECIPHER: Database of Chromosomal Imbalance and Phenotype in Humans using Ensembl Resources. Firth H.V. et al. 2009. Am.J.Hum.Genet. 84, 524-533 (DOI)). This amino acid position is highly conserved in available vertebrate species. In addition, the in silico prediction for this alteration is inconclusive. Since supporting evidence is limited at this time, the clinical significance of this alteration remains unclear.

Labcorp Genetics (formerly Invitae), Labcorp
Classification: Uncertain significance for Neurofibromatosis, type 1. Last evaluated: 2020-06-07. Review status: criteria provided, single submitter. Criteria: Invitae Variant Classification Sherloc (09022015). Collection method: clinical testing. Allele origin: germline.
Comment: This sequence change replaces cysteine with serine at codon 1909 of the NF1 protein (p.Cys1909Ser). The cysteine residue is moderately conserved and there is a moderate physicochemical difference between cysteine and serine. This variant is not present in population databases (ExAC no frequency). This variant has not been reported in the literature in individuals with NF1-related conditions. Algorithms developed to predict the effect of missense changes on protein structure and function are either unavailable or do not agree on the potential impact of this missense change (SIFT: "Tolerated"; PolyPhen-2: "Probably Damaging"; Align-GVGD: "Class C0"). This variant disrupts the p.Cys1909Arg amino acid residue in NF1. Other variant(s) that disrupt this residue have been determined to be pathogenic (PMID: 16835897, 28422438, Invitae). This suggests that this residue is clinically significant, and that variants that disrupt this residue are likely to be disease-causing. In summary, the available evidence is currently insufficient to determine the role of this variant in disease. Therefore, it has been classified as a Variant of Uncertain Significance.

Literature cited by the submitters: PubMed 16835897 (cited by Labcorp Genetics (formerly Invitae), Labcorp); PubMed 28422438 (cited by Labcorp Genetics (formerly Invitae), Labcorp).

NM_001042492.3(NF1):c.5788T>A (p.Cys1930Ser)

Gene: NF1 (neurofibromin 1; plus strand). Cytogenetic location: 17q11.2.
Variant type: single nucleotide variant.
Coding change: c.5788T>A on transcript NM_001042492.3 (MANE Select); coding-DNA position 5788, T replaced by A.
Protein change: p.Cys1930Ser; replaces cysteine 1930 with serine.
Molecular consequence: missense variant.
Genome position (GRCh38, 1-based): chr17:31,330,474, T>A. VCF-style: chr17-31330474-T-A. GRCh37 (hg19) VCF-style: chr17-29657492-T-A.
Other names: c.5725T>A, p.Cys1909Ser (NM_000267.4); short protein forms C1930S, C1909S.
Identifiers: ClinVar variation 1036636 (VCV001036636.8), dbSNP rs2069454402, ClinGen allele CA399010477.